The following is an entry in ClinVar:

ClinVar aggregate classification (germline): Benign (1 of 4 stars; one submission).

Conditions:
Congenital disorder of glycosylation (CDG). Also called: Carbohydrate-deficient glycoprotein syndrome; Congenital disorders of glycosylation. Identifiers: Orphanet 137, MedGen C0282577, MONDO:0015286.

Allele frequency attached by ClinVar (database versions not stated): gnomAD 0.02847 and 0.03042; TOPMed 0.03000; 1000 Genomes Project 0.03415; 1000 Genomes Project 30x 0.03732.

Submission:

Illumina Laboratory Services, Illumina
Classification: Benign for Congenital disorder of glycosylation. Last evaluated: 2018-01-13. Review status: criteria provided, single submitter. Criteria: ICSL Variant Classification Criteria 13 December 2019. Collection method: clinical testing. Allele origin: germline.
Comment: This variant was observed in the ICSL laboratory as part of a predisposition screen in an ostensibly healthy population. It had not been previously curated by ICSL or reported in the Human Gene Mutation Database (HGMD: prior to June 1st, 2018), and was therefore a candidate for classification through an automated scoring system. Utilizing variant allele frequency, disease prevalence and penetrance estimates, and inheritance mode, an automated score was calculated to assess if this variant is too frequent to cause the disease. Based on the score and internal cut-off values, a variant classified as benign is not then subjected to further curation. The score for this variant resulted in a classification of benign for this disease.

NM_006765.4(TUSC3):c.*879A>T

Gene: TUSC3 (tumor suppressor candidate 3; plus strand). Cytogenetic location: 8p22.
Variant type: single nucleotide variant.
Coding change: c.*879A>T on transcript NM_006765.4 (MANE Select); 879 bases downstream of the stop codon, A replaced by T.
Molecular consequence: 3 prime UTR variant.
Genome position (GRCh38, 1-based): chr8:15,765,035, A>T. VCF-style: chr8-15765035-A-T. GRCh37 (hg19) VCF-style: chr8-15622544-A-T.
Other names: c.*817A>T (NM_178234.2).
Identifiers: ClinVar variation 362322 (VCV000362322.5), dbSNP rs352811, ClinGen allele CA10627356.